The following is an entry in ClinVar:

ClinVar aggregate classification (germline): Uncertain significance (1 of 4 stars; one submission).

Conditions:
Neuronal ceroid lipofuscinosis 13 (CLN13). Also called: CEROID LIPOFUSCINOSIS, NEURONAL, 13 (KUFS TYPE); CLN13 Disease. Identifiers: Orphanet 352709, Orphanet 79262, MedGen C3715049, MONDO:0014147, OMIM 615362.

Allele frequency attached by ClinVar (database versions not stated): ESP Exome Variant Server 0.00008; gnomAD exomes below 0.00001; gnomAD 0.00001; TOPMed 0.00001.

Submission:

Labcorp Genetics (formerly Invitae), Labcorp
Classification: Uncertain significance for Neuronal ceroid lipofuscinosis 13. Last evaluated: 2025-02-24. Review status: criteria provided, single submitter. Criteria: Invitae Variant Classification Sherloc (09022015). Collection method: clinical testing. Allele origin: germline.
Comment: This sequence change replaces asparagine, which is neutral and polar, with serine, which is neutral and polar, at codon 158 of the CTSF protein (p.Asn158Ser). This variant is not present in population databases (gnomAD no frequency). This variant has not been reported in the literature in individuals affected with CTSF-related conditions. ClinVar contains an entry for this variant (Variation ID: 2070779). An algorithm developed to predict the effect of missense changes on protein structure and function outputs the following: PolyPhen-2: "Benign". The serine amino acid residue is found in multiple mammalian species, which suggests that this missense change does not adversely affect protein function. In summary, the available evidence is currently insufficient to determine the role of this variant in disease. Therefore, it has been classified as a Variant of Uncertain Significance.

NM_003793.4(CTSF):c.473A>G (p.Asn158Ser)

Gene: CTSF (cathepsin F; minus strand). Cytogenetic location: 11q13.2.
Variant type: single nucleotide variant.
Coding change: c.473A>G on transcript NM_003793.4 (MANE Select); coding-DNA position 473, A replaced by G.
Protein change: p.Asn158Ser; replaces asparagine 158 with serine.
Molecular consequence: missense variant.
Genome position (GRCh38, 1-based): chr11:66,567,502, T>C on the plus strand (A>G on the coding strand, the complement: CTSF is on the minus strand). VCF-style: chr11-66567502-T-C. GRCh37 (hg19) VCF-style: chr11-66334973-T-C.
Other names: short protein forms N158S.
Identifiers: ClinVar variation 2070779 (VCV002070779.4), dbSNP rs372121871, ClinGen allele CA224082641.